The following is an entry in ClinVar:

NM_001003694.2(BRPF1):c.2329C>G (p.Leu777Val)

Gene: BRPF1 (bromodomain and PHD finger containing 1; plus strand). Cytogenetic location: 3p25.3.
Variant type: single nucleotide variant.
Coding change: c.2329C>G on transcript NM_001003694.2 (MANE Select); coding-DNA position 2329, C replaced by G.
Protein change: p.Leu777Val; replaces leucine 777 with valine.
Molecular consequence: missense variant. On other transcripts: non-coding transcript variant (1).
Genome position (GRCh38, 1-based): chr3:9,743,595, C>G. VCF-style: chr3-9743595-C-G. GRCh37 (hg19) VCF-style: chr3-9785279-C-G.
Other names: c.2311C>G, p.Leu771Val (NM_001319049.2, NM_001437892.1, NM_004634.3); c.2308C>G, p.Leu770Val (NM_001319050.2, NM_001438342.1, NM_001438343.1 and 1 more transcripts); c.2326C>G, p.Leu776Val (NM_001410704.1, NM_001438345.1); c.2329C>G, p.Leu777Val (NM_001438344.1); short protein forms L770V, L771V, L777V, L776V.
Identifiers: ClinVar variation 4216334 (VCV004216334.2).

ClinVar aggregate classification (germline): Uncertain significance. Review status: criteria provided, multiple submitters, no conflicts (2 of 4 stars). 2 submissions from 2 submitters: Uncertain significance (2). Last evaluated 2025-09-10.

Conditions:
Inborn genetic diseases. Identifiers: MedGen C0950123, MeSH D030342.

Submissions (2):

Ambry Genetics
Classification: Uncertain significance for Inborn genetic diseases. Last evaluated: 2025-09-10. Review status: criteria provided, single submitter. Criteria: Ambry Variant Classification Scheme 2023. Collection method: clinical testing. Allele origin: germline.

GeneDx
Classification: Uncertain significance. Last evaluated: 2025-06-12. Review status: criteria provided, single submitter. Criteria: GeneDx Variant Classification Process June 2021. Collection method: clinical testing. Allele origin: germline. Affected: yes.
Comment: Not observed at significant frequency in large population cohorts (gnomAD); In silico analysis suggests that this missense variant does not alter protein structure/function; Has not been previously published as pathogenic or benign to our knowledge